The following is an entry in ClinVar:

ClinVar aggregate classification (germline): Uncertain significance (1 of 4 stars; one submission).

Submission:

Labcorp Genetics (formerly Invitae), Labcorp
Classification: Uncertain significance. Last evaluated: 2025-03-03. Review status: criteria provided, single submitter. Criteria: Invitae Variant Classification Sherloc (09022015). Collection method: clinical testing. Allele origin: germline.
Comment: This sequence change replaces leucine, which is neutral and non-polar, with proline, which is neutral and non-polar, at codon 481 of the GHR protein (p.Leu481Pro). This variant is not present in population databases (gnomAD no frequency). This variant has not been reported in the literature in individuals affected with GHR-related conditions. Invitae Evidence Modeling of protein sequence and biophysical properties (such as structural, functional, and spatial information, amino acid conservation, physicochemical variation, residue mobility, and thermodynamic stability) indicates that this missense variant is not expected to disrupt GHR protein function with a negative predictive value of 80%. In summary, the available evidence is currently insufficient to determine the role of this variant in disease. Therefore, it has been classified as a Variant of Uncertain Significance.

NM_000163.5(GHR):c.1442T>C (p.Leu481Pro)

Gene: GHR (growth hormone receptor; plus strand). Cytogenetic location: 5p12.
Variant type: single nucleotide variant.
Coding change: c.1442T>C on transcript NM_000163.5 (MANE Select); coding-DNA position 1442, T replaced by C.
Protein change: p.Leu481Pro; replaces leucine 481 with proline.
Molecular consequence: missense variant. On other transcripts: 3 prime UTR variant (1).
Genome position (GRCh38, 1-based): chr5:42,718,949, T>C. VCF-style: chr5-42718949-T-C. GRCh37 (hg19) VCF-style: chr5-42719051-T-C.
Other names: c.1463T>C, p.Leu488Pro (NM_001242399.2); c.1442T>C, p.Leu481Pro (NM_001242400.2, NM_001242401.4, NM_001242402.2 and 4 more transcripts); c.1376T>C, p.Leu459Pro (NM_001242460.2); c.*484T>C (NM_001242462.1); short protein forms L459P, L481P, L488P.
Identifiers: ClinVar variation 3631823 (VCV003631823.2).
Genomic context (GRCh38, chr5:42,718,949, plus strand): 5'-CTGAAGGAGCTGAGTCAACTCACCAAGCTGCCCATATTCAGCTAAGCAATCCAAGTTCAC[T>C]GTCAAACATCGACTTTTATGCCCAGGTGAGCGACATTACACCAGCAGGTAGTGTGGTCCT-3'
Protein context (NP_000154.1, residues 471-491): AHIQLSNPSS[Leu481Pro]SNIDFYAQVS